The following is an entry in ClinVar:

NM_000426.4(LAMA2):c.2197T>A (p.Ser733Thr)

Gene: LAMA2 (laminin subunit alpha 2; plus strand). Cytogenetic location: 6q22.33.
Variant type: single nucleotide variant.
Coding change: c.2197T>A on transcript NM_000426.4 (MANE Select); coding-DNA position 2197, T replaced by A.
Protein change: p.Ser733Thr; replaces serine 733 with threonine.
Molecular consequence: missense variant.
Genome position (GRCh38, 1-based): chr6:129,260,811, T>A. VCF-style: chr6-129260811-T-A. GRCh37 (hg19) VCF-style: chr6-129581956-T-A.
Other names: c.2197T>A, p.Ser733Thr (NM_001079823.2); short protein forms S733T.
Identifiers: ClinVar variation 1417383 (VCV001417383.6), dbSNP rs1452983347, ClinGen allele CA365608680.

ClinVar aggregate classification (germline): Uncertain significance (1 of 4 stars; one submission).

Conditions:
LAMA2-related muscular dystrophy (LAMA2-RD). Also called: Laminin alpha 2-related dystrophy. Identifiers: MedGen C5679788, MONDO:0100228.

Allele frequency attached by ClinVar (database versions not stated): gnomAD exomes below 0.00001.

Submission:

Labcorp Genetics (formerly Invitae), Labcorp
Classification: Uncertain significance for LAMA2-related muscular dystrophy. Last evaluated: 2022-06-20. Review status: criteria provided, single submitter. Criteria: Invitae Variant Classification Sherloc (09022015). Collection method: clinical testing. Allele origin: germline.
Comment: This sequence change replaces serine, which is neutral and polar, with threonine, which is neutral and polar, at codon 733 of the LAMA2 protein (p.Ser733Thr). This variant is present in population databases (no rsID available, gnomAD 0.0009%). In summary, the available evidence is currently insufficient to determine the role of this variant in disease. Therefore, it has been classified as a Variant of Uncertain Significance. Advanced modeling of protein sequence and biophysical properties (such as structural, functional, and spatial information, amino acid conservation, physicochemical variation, residue mobility, and thermodynamic stability) performed at Invitae indicates that this missense variant is not expected to disrupt LAMA2 protein function. This variant has not been reported in the literature in individuals affected with LAMA2-related conditions.